The following is an entry in ClinVar:

NM_024741.3(ZNF408):c.1010G>A (p.Arg337Gln)

Gene: ZNF408 (zinc finger protein 408; plus strand). Cytogenetic location: 11p11.2.
Variant type: single nucleotide variant.
Coding change: c.1010G>A on transcript NM_024741.3 (MANE Select); coding-DNA position 1010, G replaced by A.
Protein change: p.Arg337Gln; replaces arginine 337 with glutamine.
Molecular consequence: missense variant.
Genome position (GRCh38, 1-based): chr11:46,704,710, G>A. VCF-style: chr11-46704710-G-A. GRCh37 (hg19) VCF-style: chr11-46726260-G-A.
Other names: c.986G>A, p.Arg329Gln (NM_001184751.2); short protein forms R329Q, R337Q.
Identifiers: ClinVar variation 1437203 (VCV001437203.9), dbSNP rs36017347, ClinGen allele CA5966480.

ClinVar aggregate classification (germline): Uncertain significance. Review status: criteria provided, multiple submitters, no conflicts (2 of 4 stars). 2 submissions from 2 submitters: Uncertain significance (2). Last evaluated 2026-01-26.

gnomAD v4.1: 49 of 1,608,204 alleles (0.003%); highest among the groups gnomAD compares: South Asian, 0.029%; 1 homozygote.

Submissions (2):

Labcorp Genetics (formerly Invitae), Labcorp
Classification: Uncertain significance. Last evaluated: 2026-01-26. Review status: criteria provided, single submitter. Criteria: Invitae Variant Classification Sherloc (09022015). Collection method: clinical testing. Allele origin: germline.
Comment: This sequence change replaces arginine, which is basic and polar, with glutamine, which is neutral and polar, at codon 337 of the ZNF408 protein (p.Arg337Gln). This variant is present in population databases (rs36017347, gnomAD 0.02%). This variant has not been reported in the literature in individuals affected with ZNF408-related conditions. ClinVar contains an entry for this variant (Variation ID: 1437203). An algorithm developed to predict the effect of missense changes on protein structure and function outputs the following: PolyPhen-2: "Benign". The glutamine amino acid residue is found in multiple mammalian species, which suggests that this missense change does not adversely affect protein function. In summary, the available evidence is currently insufficient to determine the role of this variant in disease. Therefore, it has been classified as a Variant of Uncertain Significance.

Blueprint Genetics
Classification: Uncertain significance. Last evaluated: 2021-06-02. Review status: criteria provided, single submitter. Criteria: ACMG Guidelines, 2015. Collection method: clinical testing. Allele origin: germline.